The following is an entry in ClinVar:

NM_000489.6(ATRX):c.6718C>T (p.Leu2240Phe)

Gene: ATRX (ATRX chromatin remodeler; minus strand). Cytogenetic location: Xq21.1.
Variant type: single nucleotide variant.
Coding change: c.6718C>T on transcript NM_000489.6 (MANE Select); coding-DNA position 6718, C replaced by T.
Protein change: p.Leu2240Phe; replaces leucine 2240 with phenylalanine.
Molecular consequence: missense variant.
Genome position (GRCh38, 1-based): chrX:77,523,383, G>A on the plus strand (C>T on the coding strand, the complement: ATRX is on the minus strand). VCF-style: chrX-77523383-G-A. GRCh37 (hg19) VCF-style: chrX-76778861-G-A.
Other names: c.6604C>T, p.Leu2202Phe (NM_138270.5); short protein forms L2240F, L2202F.
Identifiers: ClinVar variation 156326 (VCV000156326.1), dbSNP rs199474698, ClinGen allele CA270744.

ClinVar aggregate classification (germline): not provided (0 of 4 stars; one submission).

Conditions:
Alpha thalassemia-X-linked intellectual disability syndrome (ATRX). Also called: X-linked alpha-thalassemia-mental retardation syndrome; ALPHA-THALASSEMIA/MENTAL RETARDATION SYNDROME, X-LINKED; ATR, NONDELETION TYPE; ATR-X syndrome; Alpha thalassemia mental retardation syndrome, nondeletion type, X-linked; XLMR hypotonic face syndrome. Identifiers: Orphanet 847, MedGen C1845055, MONDO:0010519, OMIM 301040.

Submission:

ClinVar Staff, National Center for Biotechnology Information (NCBI)
No classification provided. Condition: ATR-X syndrome. Review status: no classification provided. Collection method: not provided. Allele origin: germline.
Comment: Observed in two siblings in one family.